The following is an entry in ClinVar:

ClinVar aggregate classification (germline): Uncertain significance (1 of 4 stars; one submission).

Conditions:
Congenital myasthenic syndrome 8. Also called: Myasthenic syndrome, congenital, 8, with pre- and postsynaptic defects; MYASTHENIC SYNDROME, CONGENITAL, DUE TO AGRIN DEFICIENCY. Identifiers: Orphanet 590, MedGen C3808739, MONDO:0014052, OMIM 615120.

Allele frequency attached by ClinVar (database versions not stated): TOPMed below 0.00001; gnomAD 0.00001; gnomAD exomes 0.00001.
gnomAD v4.1: 12 of 1,545,076 alleles (0.00078%); highest among the groups gnomAD compares: Admixed American, 0.0039%; no homozygotes.

Submission:

Labcorp Genetics (formerly Invitae), Labcorp
Classification: Uncertain significance for Congenital myasthenic syndrome 8. Last evaluated: 2023-07-17. Review status: criteria provided, single submitter. Criteria: Invitae Variant Classification Sherloc (09022015). Collection method: clinical testing. Allele origin: germline.
Comment: ClinVar contains an entry for this variant (Variation ID: 2062377). This sequence change replaces arginine, which is basic and polar, with glutamine, which is neutral and polar, at codon 1322 of the AGRN protein (p.Arg1322Gln). This variant is present in population databases (no rsID available, gnomAD 0.004%). This variant has not been reported in the literature in individuals affected with AGRN-related conditions. Algorithms developed to predict the effect of missense changes on protein structure and function output the following: SIFT: "Not Available"; PolyPhen-2: "Benign"; Align-GVGD: "Not Available". The glutamine amino acid residue is found in multiple mammalian species, which suggests that this missense change does not adversely affect protein function. In summary, the available evidence is currently insufficient to determine the role of this variant in disease. Therefore, it has been classified as a Variant of Uncertain Significance.

NM_198576.4(AGRN):c.3965G>A (p.Arg1322Gln)

Gene: AGRN (agrin; plus strand). Cytogenetic location: 1p36.33.
Variant type: single nucleotide variant.
Coding change: c.3965G>A on transcript NM_198576.4 (MANE Select); coding-DNA position 3965, G replaced by A.
Protein change: p.Arg1322Gln; replaces arginine 1322 with glutamine.
Molecular consequence: missense variant.
Genome position (GRCh38, 1-based): chr1:1,048,225, G>A. VCF-style: chr1-1048225-G-A. GRCh37 (hg19) VCF-style: chr1-983605-G-A.
Other names: c.3965G>A, p.Arg1322Gln (NM_001305275.2); c.3650G>A, p.Arg1217Gln (NM_001364727.2); short protein forms R1322Q, R1217Q.
Identifiers: ClinVar variation 2062377 (VCV002062377.4), dbSNP rs1476141378, ClinGen allele CA337853178.